The following is an entry in ClinVar:

NM_014489.4(PGAP2):c.642_645del (p.Leu215fs)

Gene: PGAP2 (post-GPI attachment to proteins 2; plus strand). Cytogenetic location: 11p15.4.
Variant type: Deletion.
Coding change: c.642_645del on transcript NM_014489.4 (MANE Select); coding-DNA positions 642 to 645, 4 bases deleted (CCTC; older notation c.642_645delCCTC).
Protein change: p.Leu215fs; shifts the reading frame from leucine 215.
Molecular consequence: frameshift variant. On other transcripts: non-coding transcript variant (15).
Genome position (GRCh38, 1-based): chr11:3,824,310-3,824,313, CCTC deleted; deleting any 4 consecutive bases within chr11:3,824,308-3,824,313 gives the same sequence; the c. name uses the placement nearest the transcript's 3' end. VCF-style (leftmost placement, unchanged base first): chr11-3824307-ATCCC-A. GRCh37 (hg19) VCF-style: chr11-3845537-ATCCC-A.
Other names: c.459_462delCCTC, p.Leu154Glyfs (NM_001145438.3, NM_001256237.2, NM_001256238.2 and 1 more transcripts); c.513_516delCCTC, p.Leu172Glyfs (NM_001256235.2); c.642_645delCCTC, p.Leu215Glyfs (NM_001256236.2); c.459_462del, p.Leu154fs (NM_001256239.2, NM_001256240.2, NM_001346398.2 and 3 more transcripts); c.382_385delCCTC, p.Pro128Glyfs (NM_001283039.2); c.202_205del, p.Pro68fs (NM_001283040.1); c.612_615del, p.Leu205fs (NM_001346397.2); c.469_472del, p.Pro157fs (NM_001346399.2, NM_001346401.2); and 2 more; short protein forms L154fs, L172fs, L194fs, L205fs, L211fs, L215fs, L272fs, P157fs.
Identifiers: ClinVar variation 3731331 (VCV003731331.1).

ClinVar aggregate classification (germline): Likely pathogenic (1 of 4 stars; one submission).

Conditions:
Hyperphosphatasia with impaired intellectual development syndrome 3. Also called: GLYCOSYLPHOSPHATIDYLINOSITOL BIOSYNTHESIS DEFECT 8; Hyperphosphatasia with intellectual disability syndrome 3. Identifiers: Orphanet 247262, MedGen C3280153, MONDO:0013628, OMIM 614207.

Submission:

Neuberg Centre For Genomic Medicine, NCGM
Classification: Likely pathogenic for Hyperphosphatasia with impaired intellectual development syndrome 3. Last evaluated: 2023-06-22. Review status: criteria provided, single submitter. Criteria: ACMG Guidelines, 2015. Collection method: clinical testing. Allele origin: germline. Inheritance: Autosomal recessive inheritance. Affected: yes.
Comment: The observed frameshift variant c.642_645del(p.Leu215GlyfsTer12) in PGAP2 gene has not been reported previously as a pathogenic variant nor as a benign variant, to our knowledge. This variant is absent in gnomAD Exomes. This variant causes a frameshift starting with codon Leucine 215, changes this amino acid to Glycine residue, and creates a premature Stop codon at position 12 of the new reading frame, denoted p.Leu215GlyfsTer12. This variant is predicted to cause loss of normal protein function through protein truncation. Loss of function variants have been previously reported to be disease causing.This variant has not been reported to the ClinVar database. For these reasons, this variant has been classified as Likely Pathogenic. In the absence of another reportable variant, the molecular diagnosis is not confirmed.